The following is an entry in ClinVar:

ClinVar aggregate classification (germline): Conflicting classifications of pathogenicity. Review status: criteria provided, conflicting classifications (1 of 4 stars). 3 submissions from 3 submitters: Uncertain significance (1); Likely benign (1). 1 of the submissions does not count toward it. Last evaluated 2025-09-10.

Conditions:
SMCHD1-related disorder. Also called: SMCHD1-related condition.
Facioscapulohumeral muscular dystrophy 2 (FSHD2). Also called: FACIOSCAPULOHUMERAL MUSCULAR DYSTROPHY 2, DIGENIC; FSHD2, DIGENIC; MUSCULAR DYSTROPHY, FACIOSCAPULOHUMERAL, TYPE 1B. Identifiers: Orphanet 269, MedGen C1834671, MONDO:0008031, OMIM 158901.

Allele frequency attached by ClinVar (database versions not stated): gnomAD 0.00001 and 0.00002; gnomAD exomes 0.00001; TOPMed 0.00002; ExAC 0.00005; 1000 Genomes Project 0.00020; 1000 Genomes Project 30x 0.00031.
gnomAD v4.1: 28 of 1,578,986 alleles (0.0018%); highest among the groups gnomAD compares: East Asian, 0.027%; 1 homozygote.

Submissions (3):

Labcorp Genetics (formerly Invitae), Labcorp
Classification: Likely benign for Facioscapulohumeral muscular dystrophy 2. Last evaluated: 2025-09-10. Review status: criteria provided, single submitter. Criteria: Invitae Variant Classification Sherloc (09022015). Collection method: clinical testing. Allele origin: germline.

Eurofins Ntd Llc (ga)
Classification: Uncertain significance. Last evaluated: 2016-01-23. Review status: criteria provided, single submitter. Criteria: EGL Classification Definitions 2015. Collection method: clinical testing. Allele origin: germline. Observed: 1 variant allele, 1 heterozygote.

PreventionGenetics, part of Exact Sciences
Classification: Likely benign for SMCHD1-related condition. Last evaluated: 2023-09-14. Review status: no assertion criteria provided. Collection method: clinical testing. Allele origin: germline. Not counted in ClinVar's aggregate classification.
Comment: This variant is classified as likely benign based on ACMG/AMP sequence variant interpretation guidelines (Richards et al. 2015 PMID: 25741868, with internal and published modifications).

NM_015295.3(SMCHD1):c.3277-5C>T

Gene: SMCHD1 (structural maintenance of chromosomes flexible hinge domain containing 1; plus strand). Cytogenetic location: 18p11.32.
Variant type: single nucleotide variant.
Coding change: c.3277-5C>T on transcript NM_015295.3 (MANE Select); 5 bases into the intron before coding-DNA position 3277, C replaced by T.
Molecular consequence: intron variant.
Genome position (GRCh38, 1-based): chr18:2,738,392, C>T. VCF-style: chr18-2738392-C-T. GRCh37 (hg19) VCF-style: chr18-2738390-C-T.
Identifiers: ClinVar variation 285739 (VCV000285739.18), dbSNP rs542259388, ClinGen allele CA8871170.